The following is an entry in ClinVar:

ClinVar aggregate classification (germline): Uncertain significance. Review status: criteria provided, multiple submitters, no conflicts (2 of 4 stars). 2 submissions from 2 submitters: Uncertain significance (2). Last evaluated 2025-06-22.

Conditions:
Cardiovascular phenotype. Identifiers: MedGen CN230736.
Alstrom syndrome (ALMS). Identifiers: Orphanet 64, MedGen C0268425, MONDO:0008763, OMIM 203800.

Submissions (2):

Labcorp Genetics (formerly Invitae), Labcorp
Classification: Uncertain significance for Alstrom syndrome. Last evaluated: 2025-06-22. Review status: criteria provided, single submitter. Criteria: Invitae Variant Classification Sherloc (09022015). Collection method: clinical testing. Allele origin: germline.
Comment: This sequence change replaces serine, which is neutral and polar, with asparagine, which is neutral and polar, at codon 3650 of the ALMS1 protein (p.Ser3650Asn). This variant is not present in population databases (gnomAD no frequency). This variant has not been reported in the literature in individuals affected with ALMS1-related conditions. ClinVar contains an entry for this variant (Variation ID: 1401774). Experimental studies and prediction algorithms are not available or were not evaluated, and the functional significance of this variant is currently unknown. In summary, the available evidence is currently insufficient to determine the role of this variant in disease. Therefore, it has been classified as a Variant of Uncertain Significance.

Ambry Genetics
Classification: Uncertain significance for Cardiovascular phenotype. Last evaluated: 2019-10-31. Review status: criteria provided, single submitter. Criteria: Ambry Variant Classification Scheme 2023. Collection method: clinical testing. Allele origin: germline.
Comment: The p.S3650N variant (also known as c.10949G>A), located in coding exon 16 of the ALMS1 gene, results from a G to A substitution at nucleotide position 10949. The serine at codon 3650 is replaced by asparagine, an amino acid with highly similar properties. This amino acid position is well conserved in available vertebrate species. In addition, this alteration is predicted to be tolerated by in silico analysis. Since supporting evidence is limited at this time, the clinical significance of this alteration remains unclear.

NM_001378454.1(ALMS1):c.10946G>A (p.Ser3649Asn)

Gene: ALMS1 (ALMS1 centrosome and basal body associated protein; plus strand). Cytogenetic location: 2p13.1.
Variant type: single nucleotide variant.
Coding change: c.10946G>A on transcript NM_001378454.1 (MANE Select); coding-DNA position 10946, G replaced by A.
Protein change: p.Ser3649Asn; replaces serine 3649 with asparagine.
Molecular consequence: missense variant.
Genome position (GRCh38, 1-based): chr2:73,572,823, G>A. VCF-style: chr2-73572823-G-A. GRCh37 (hg19) VCF-style: chr2-73799950-G-A.
Other names: c.10949G>A, p.Ser3650Asn (NM_015120.4); short protein forms S3650N, S3649N.
Identifiers: ClinVar variation 1401774 (VCV001401774.8), dbSNP rs2104105859, ClinGen allele CA347286361.
Genomic context (GRCh38, chr2:73,572,823, plus strand): 5'-TTGATCGTTTGGCTAAAATTCTTCAGAATCCAATCACACATTCTCTCCAGGTCTCAGAAA[G>A]TACACATGATGATAGCAGAGGGGAACGAAGTGTGAAGGAATGGAGTGGTAGACAACAGCA-3'
Protein context (NP_001365383.1, residues 3639-3659): PITHSLQVSE[Ser3649Asn]THDDSRGERS